The following is an entry in ClinVar:

NM_000751.3(CHRND):c.536T>C (p.Ile179Thr)

Gene: CHRND (cholinergic receptor nicotinic delta subunit; plus strand). Cytogenetic location: 2q37.1.
Variant type: single nucleotide variant.
Coding change: c.536T>C on transcript NM_000751.3 (MANE Select); coding-DNA position 536, T replaced by C.
Protein change: p.Ile179Thr; replaces isoleucine 179 with threonine.
Molecular consequence: missense variant. On other transcripts: intron variant (1).
Genome position (GRCh38, 1-based): chr2:232,528,888, T>C. VCF-style: chr2-232528888-T-C. GRCh37 (hg19) VCF-style: chr2-233393598-T-C.
Other names: c.491T>C, p.Ile164Thr (NM_001256657.2); c.233T>C, p.Ile78Thr (NM_001311196.2); c.238+232T>C (NM_001311195.2); short protein forms I78T, I164T, I179T.
Identifiers: ClinVar variation 1985137 (VCV001985137.4), dbSNP rs746182115, ClinGen allele CA2168062.

ClinVar aggregate classification (germline): Uncertain significance (1 of 4 stars; one submission).

Conditions:
Lethal multiple pterygium syndrome (LMPS). Identifiers: Orphanet 33108, MedGen C1854678, MONDO:0009668, OMIM 253290.

Allele frequency attached by ClinVar (database versions not stated): ExAC 0.00001; gnomAD 0.00001; gnomAD exomes 0.00001; TOPMed 0.00001.

Submission:

Labcorp Genetics (formerly Invitae), Labcorp
Classification: Uncertain significance for Lethal multiple pterygium syndrome. Last evaluated: 2025-07-22. Review status: criteria provided, single submitter. Criteria: Invitae Variant Classification Sherloc (09022015). Collection method: clinical testing. Allele origin: germline.
Comment: This sequence change replaces isoleucine, which is neutral and non-polar, with threonine, which is neutral and polar, at codon 179 of the CHRND protein (p.Ile179Thr). This variant is present in population databases (rs746182115, gnomAD 0.003%). This missense change has been observed in individual(s) with clinical features of CHRND-related conditions (PMID: 30467950). ClinVar contains an entry for this variant (Variation ID: 1985137). Invitae Evidence Modeling of protein sequence and biophysical properties (such as structural, functional, and spatial information, amino acid conservation, physicochemical variation, residue mobility, and thermodynamic stability) indicates that this missense variant is expected to disrupt CHRND protein function with a positive predictive value of 95%. In summary, the available evidence is currently insufficient to determine the role of this variant in disease. Therefore, it has been classified as a Variant of Uncertain Significance.

Literature cited by the submitters: PubMed 30467950.